The following is an entry in ClinVar:

NM_017654.4(SAMD9):c.2380G>A (p.Val794Ile)

Gene: SAMD9 (sterile alpha motif domain containing 9; minus strand). Cytogenetic location: 7q21.2.
Variant type: single nucleotide variant.
Coding change: c.2380G>A on transcript NM_017654.4 (MANE Select); coding-DNA position 2380, G replaced by A.
Protein change: p.Val794Ile; replaces valine 794 with isoleucine.
Molecular consequence: missense variant.
Genome position (GRCh38, 1-based): chr7:93,103,718, C>T on the plus strand (G>A on the coding strand, the complement: SAMD9 is on the minus strand). VCF-style: chr7-93103718-C-T. GRCh37 (hg19) VCF-style: chr7-92733031-C-T.
Other names: c.2380G>A (NM_017654.3); c.2380G>A, p.Val794Ile (NM_001193307.2); short protein forms V794I.
Identifiers: ClinVar variation 1519768 (VCV001519768.8), dbSNP rs764190540, ClinGen allele CA4342844.

ClinVar aggregate classification (germline): Uncertain significance. Review status: criteria provided, multiple submitters, no conflicts (2 of 4 stars). 3 submissions from 3 submitters: Uncertain significance (3). Last evaluated 2025-03-04.

Conditions:
Monosomy 7 myelodysplasia and leukemia syndrome 2. Identifiers: MedGen C5436668, MONDO:0030801, OMIM 619041.
Inborn genetic diseases. Identifiers: MedGen C0950123, MeSH D030342.

Allele frequency attached by ClinVar (database versions not stated): ExAC 0.00002; gnomAD exomes 0.00004 and 0.00001.
gnomAD v4.1: 13 of 1,613,756 alleles (0.00081%); highest among the groups gnomAD compares: Admixed American, 0.018%; no homozygotes.

Submissions (3):

Labcorp Genetics (formerly Invitae), Labcorp
Classification: Uncertain significance. Last evaluated: 2025-03-04. Review status: criteria provided, single submitter. Criteria: Invitae Variant Classification Sherloc (09022015). Collection method: clinical testing. Allele origin: germline.
Comment: This sequence change replaces valine, which is neutral and non-polar, with isoleucine, which is neutral and non-polar, at codon 794 of the SAMD9 protein (p.Val794Ile). This variant is present in population databases (rs764190540, gnomAD 0.03%). This variant has not been reported in the literature in individuals affected with SAMD9-related conditions. ClinVar contains an entry for this variant (Variation ID: 1519768). An algorithm developed to predict the effect of missense changes on protein structure and function outputs the following: PolyPhen-2: "Benign". The isoleucine amino acid residue is found in multiple mammalian species, which suggests that this missense change does not adversely affect protein function. In summary, the available evidence is currently insufficient to determine the role of this variant in disease. Therefore, it has been classified as a Variant of Uncertain Significance.

Ambry Genetics
Classification: Uncertain significance for Inborn genetic diseases. Last evaluated: 2024-11-22. Review status: criteria provided, single submitter. Criteria: Ambry Variant Classification Scheme 2023. Collection method: clinical testing. Allele origin: germline.
Comment: The p.V794I variant (also known as c.2380G>A), located in coding exon 1 of the SAMD9 gene, results from a G to A substitution at nucleotide position 2380. The valine at codon 794 is replaced by isoleucine, an amino acid with highly similar properties. This amino acid position is conserved. In addition, this alteration is predicted to be tolerated by in silico analysis. Based on the available evidence, the clinical significance of this variant remains unclear.

St. Jude Molecular Pathology, St. Jude Children's Research Hospital
Classification: Uncertain significance for Monosomy 7 myelodysplasia and leukemia syndrome 2. Last evaluated: 2023-03-29. Review status: criteria provided, single submitter. Criteria: St. Jude Assertion Criteria 2020. Collection method: clinical testing. Allele origin: germline.
Comment: The SAMD9 c.2380G>A (p.Val794Ile) missense change has a maximum subpopulation frequency of 0.032% in gnomAD v2.1.1. The in silico tool REVEL is inconclusive about a pathogenic or benign effect of this variant on protein function, however in silico predictions have not been found to correlate with syndromic risk and are thus not considered supporting evidence of a pathogenic or benign effect (PMID: 34621053). To our knowledge, this variant has not been reported in individuals with SAMD9-associated conditions. In summary, the evidence currently available is insufficient to determine the clinical significance of this variant. It has therefore been classified as of uncertain significance.